The following is an entry in ClinVar:

NC_000002.11:g.(?_71795061)_(71801521_?)del

Gene: DYSF (dysferlin; plus strand). Cytogenetic location: 2p13.2.
Variant type: Deletion.
Identifiers: ClinVar variation 3247372 (VCV003247372.1).

ClinVar aggregate classification (germline): Pathogenic (1 of 4 stars; one submission).

Conditions:
Neuromuscular disease caused by qualitative or quantitative defects of dysferlin. Also called: Qualitative or quantitative defects of dysferlin; Dysferlinopathy. Identifiers: Orphanet 207073, MedGen C2931687, MONDO:0016145.

Submission:

Labcorp Genetics (formerly Invitae), Labcorp
Classification: Pathogenic for Neuromuscular disease caused by qualitative or quantitative defects of dysferlin. Last evaluated: 2023-07-25. Review status: criteria provided, single submitter. Criteria: Invitae Variant Classification Sherloc (09022015). Collection method: clinical testing. Allele origin: unknown.
Comment: This variant is a gross deletion of the genomic region encompassing exon(s) 25-30 of the DYSF gene. This variant would be expected to be in-frame, preserving the integrity of the reading frame. This variant has not been reported in the literature in individuals affected with DYSF-related conditions. This variant disrupts a region of the DYSF protein in which other variant(s) (p.Arg959Trp) have been determined to be pathogenic (PMID: 14678801, 16934466, 17070050, 19528035, 21522182, 22194990). This suggests that this is a clinically significant region of the protein, and that variants that disrupt it are likely to be disease-causing. For these reasons, this variant has been classified as Pathogenic.

Literature cited by the submitters: PubMed 14678801; PubMed 16934466; PubMed 17070050; PubMed 19528035; PubMed 21522182; PubMed 22194990.